The following is an entry in ClinVar:

ClinVar aggregate classification (germline): Uncertain significance. Review status: criteria provided, multiple submitters, no conflicts (2 of 4 stars). 3 submissions from 3 submitters: Uncertain significance (3). Last evaluated 2023-11-27.

Conditions:
Inborn genetic diseases. Identifiers: MedGen C0950123, MeSH D030342.
Early-infantile DEE. Also called: Early infantile epileptic encephalopathy with suppression bursts; Early infantile epileptic encephalopathy; Ohtahara syndrome. Identifiers: Orphanet 1934, MedGen C0393706, MONDO:0800491.

Submissions (3):

Labcorp Genetics (formerly Invitae), Labcorp
Classification: Uncertain significance for Early-infantile DEE. Last evaluated: 2023-11-27. Review status: criteria provided, single submitter. Criteria: Invitae Variant Classification Sherloc (09022015). Collection method: clinical testing. Allele origin: germline.
Comment: This sequence change replaces glutamine, which is neutral and polar, with arginine, which is basic and polar, at codon 739 of the HCN1 protein (p.Gln739Arg). This variant is not present in population databases (gnomAD no frequency). This variant has not been reported in the literature in individuals affected with HCN1-related conditions. ClinVar contains an entry for this variant (Variation ID: 652161). Advanced modeling of protein sequence and biophysical properties (such as structural, functional, and spatial information, amino acid conservation, physicochemical variation, residue mobility, and thermodynamic stability) performed at Invitae indicates that this missense variant is not expected to disrupt HCN1 protein function with a negative predictive value of 95%. In summary, the available evidence is currently insufficient to determine the role of this variant in disease. Therefore, it has been classified as a Variant of Uncertain Significance.

Ambry Genetics
Classification: Uncertain significance for Inborn genetic diseases. Last evaluated: 2023-11-22. Review status: criteria provided, single submitter. Criteria: Ambry Variant Classification Scheme 2023. Collection method: clinical testing. Allele origin: germline.

GeneDx
Classification: Uncertain significance. Last evaluated: 2022-03-28. Review status: criteria provided, single submitter. Criteria: GeneDx Variant Classification Process June 2021. Collection method: clinical testing. Allele origin: germline. Affected: yes.
Comment: Not observed at significant frequency in large population cohorts (gnomAD); In silico analysis supports that this missense variant does not alter protein structure/function; Has not been previously published as pathogenic or benign to our knowledge

NM_021072.4(HCN1):c.2216A>G (p.Gln739Arg)

Gene: HCN1 (hyperpolarization activated cyclic nucleotide gated potassium channel 1; minus strand). Cytogenetic location: 5p12.
Variant type: single nucleotide variant.
Coding change: c.2216A>G on transcript NM_021072.4 (MANE Select); coding-DNA position 2216, A replaced by G.
Protein change: p.Gln739Arg; replaces glutamine 739 with arginine.
Molecular consequence: missense variant.
Genome position (GRCh38, 1-based): chr5:45,262,378, T>C on the plus strand (A>G on the coding strand, the complement: HCN1 is on the minus strand). VCF-style: chr5-45262378-T-C. GRCh37 (hg19) VCF-style: chr5-45262480-T-C.
Other names: short protein forms Q739R.
Identifiers: ClinVar variation 652161 (VCV000652161.11), dbSNP rs1418945597, ClinGen allele CA359703806.